The following is an entry in ClinVar:

NM_017917.4(PPP2R3C):c.1049T>C (p.Phe350Ser)

Genes: PPP2R3C (protein phosphatase 2 regulatory subunit B''gamma; minus strand), LOC101927178 (uncharacterized LOC101927178; plus strand). Cytogenetic location: 14q13.2.
Variant type: single nucleotide variant.
Coding change: c.1049T>C on transcript NM_017917.4 (MANE Select); coding-DNA position 1049, T replaced by C.
Protein change: p.Phe350Ser; replaces phenylalanine 350 with serine.
Molecular consequence: missense variant. On other transcripts: non-coding transcript variant (1).
Genome position (GRCh38, 1-based): chr14:35,091,134, A>G on the plus strand (T>C on the coding strand, the complement: PPP2R3C is on the minus strand). VCF-style: chr14-35091134-A-G. GRCh37 (hg19) VCF-style: chr14-35560340-A-G.
Other names: c.719T>C, p.Phe240Ser (NM_001305155.2, NM_001305156.2); short protein forms F350S, F240S.
Identifiers: ClinVar variation 627423 (VCV000627423.5), dbSNP rs1566684983, ClinGen allele CA389442531.

ClinVar aggregate classification (germline): Pathogenic. Review status: criteria provided, single submitter (1 of 4 stars). 3 submissions from 2 submitters: Pathogenic (1). 2 of the submissions do not count toward it.

Conditions:
Gonadal dysgenesis, dysmorphic facies, retinal dystrophy, and myopathy. Also called: 46,XY agonadism with mental retardation, short stature, retarded bone age, and multiple extragenital malformations; Kennerknecht syndrome; MYOECTODERMAL GONADAL DYSGENESIS SYNDROME; BROSNAN-KENNERKNECHT-GURAN-KOC SYNDROME. Identifiers: MedGen C5193085, MONDO:0032738, OMIM 618419.
Spermatogenic failure 36. Identifiers: MedGen C5193086, MONDO:0032739, OMIM 618420.

Submissions (3):

School of Medicine, Marmara University
Classification: Pathogenic for Gonadal dysgenesis, dysmorphic facies, retinal dystrophy, and myopathy. Review status: criteria provided, single submitter. Criteria: Submitter's publication. Collection method: clinical testing. Allele origin: germline. Inheritance: Autosomal recessive inheritance. Affected: yes.
Comment: Syndromic 46, XY Gonadal Dysgenesis and Impaired Spermatogenesis in humans

OMIM
Classification: Pathogenic for MYOECTODERMAL GONADAL DYSGENESIS SYNDROME. Last evaluated: 2022-08-31. Review status: no assertion criteria provided. Collection method: literature only. Allele origin: germline. Not counted in ClinVar's aggregate classification.

OMIM
Classification: Pathogenic for SPERMATOGENIC FAILURE 36. Last evaluated: 2022-08-31. Review status: no assertion criteria provided. Collection method: literature only. Allele origin: germline. Not counted in ClinVar's aggregate classification.

Literature cited by the submitters: PubMed 30893644 (cited by School of Medicine, Marmara University and OMIM).